The following is an entry in ClinVar:

NM_016151.4(TAOK2):c.2729C>T (p.Pro910Leu)

Gene: TAOK2 (TAO kinase 2; plus strand). Cytogenetic location: 16p11.2.
Variant type: single nucleotide variant.
Coding change: c.2729C>T on transcript NM_016151.4 (MANE Select); coding-DNA position 2729, C replaced by T.
Protein change: p.Pro910Leu; replaces proline 910 with leucine.
Molecular consequence: missense variant. On other transcripts: intron variant (1).
Genome position (GRCh38, 1-based): chr16:29,987,001, C>T. VCF-style: chr16-29987001-C-T. GRCh37 (hg19) VCF-style: chr16-29998322-C-T.
Other names: c.2390C>T, p.Pro797Leu (NM_001252043.2); c.2232+497C>T (NM_004783.4); short protein forms P797L, P910L.
Identifiers: ClinVar variation 3679497 (VCV003679497.2).

ClinVar aggregate classification (germline): Uncertain significance (1 of 4 stars; one submission).

gnomAD v4.1: 8 of 1,612,844 alleles (0.0005%); highest among the groups gnomAD compares: African/African-American, 0.0013%; no homozygotes.

Submission:

Labcorp Genetics (formerly Invitae), Labcorp
Classification: Uncertain significance. Last evaluated: 2025-03-16. Review status: criteria provided, single submitter. Criteria: Invitae Variant Classification Sherloc (09022015). Collection method: clinical testing. Allele origin: germline.
Comment: This sequence change replaces proline, which is neutral and non-polar, with leucine, which is neutral and non-polar, at codon 910 of the TAOK2 protein (p.Pro910Leu). This variant is present in population databases (rs778268053, gnomAD 0.007%). This variant has not been reported in the literature in individuals affected with TAOK2-related conditions. An algorithm developed to predict the effect of missense changes on protein structure and function (PolyPhen-2) suggests that this variant is likely to be disruptive. In summary, the available evidence is currently insufficient to determine the role of this variant in disease. Therefore, it has been classified as a Variant of Uncertain Significance.